The following is an entry in ClinVar:

NM_003242.6(TGFBR2):c.56G>T (p.Arg19Leu)

Gene: TGFBR2 (transforming growth factor beta receptor 2; plus strand). Cytogenetic location: 3p24.1.
Variant type: single nucleotide variant.
Coding change: c.56G>T on transcript NM_003242.6 (MANE Select); coding-DNA position 56, G replaced by T.
Protein change: p.Arg19Leu; replaces arginine 19 with leucine.
Molecular consequence: missense variant.
Genome position (GRCh38, 1-based): chr3:30,606,939, G>T. VCF-style: chr3-30606939-G-T. GRCh37 (hg19) VCF-style: chr3-30648431-G-T.
Other names: c.56G>T, p.Arg19Leu (NM_001024847.3, NM_001407126.1, NM_001407127.1 and 4 more transcripts); c.-228G>T (NM_001407133.1); c.-106G>T (NM_001407134.1); c.-153G>T (NM_001407135.1); c.-238G>T (NM_001407136.1); short protein forms R19L.
Identifiers: ClinVar variation 1303292 (VCV001303292.4), dbSNP rs763085648, ClinGen allele CA049291.

ClinVar aggregate classification (germline): Uncertain significance. Review status: criteria provided, multiple submitters, no conflicts (2 of 4 stars). 2 submissions from 2 submitters: Uncertain significance (2). Last evaluated 2023-11-20.

Conditions:
Loeys-Dietz syndrome 2 (LDS2). Also called: Marfan syndrome, type 2 (formerly); TGFBR2-Related Loeys-Dietz Syndrome; AORTIC ANEURYSM, FAMILIAL THORACIC 3; MARFAN SYNDROME, TYPE II; Marfan Syndrome type 2; Marfan like connective tissue disorder. Identifiers: Orphanet 284973, Orphanet 558, MedGen C2674574, MONDO:0012427, OMIM 610168.

Allele frequency attached by ClinVar (database versions not stated): gnomAD exomes below 0.00001; ExAC 0.00002.

Submissions (2):

All of Us Research Program, National Institutes of Health
Classification: Uncertain significance for Loeys-Dietz syndrome 2. Last evaluated: 2023-11-20. Review status: criteria provided, single submitter. Criteria: ACMG Guidelines, 2015. Collection method: clinical testing. Allele origin: germline. Inheritance: Autosomal dominant inheritance. Observed: 1 variant allele, 1 heterozygote.
Comment: This missense variant replaces arginine with leucine at codon 19 of the TGFBR2 protein. Computational prediction suggests that this variant may not impact protein structure and function (internally defined REVEL score threshold <= 0.5, PMID: 27666373). To our knowledge, functional studies have not been reported for this variant. This variant has not been reported in individuals affected with TGFBR2-related disorders in the literature. This variant has been identified in 1/224220 chromosomes in the general population by the Genome Aggregation Database (gnomAD). The available evidence is insufficient to determine the role of this variant in disease conclusively. Therefore, this variant is classified as a Variant of Uncertain Significance.

This study involves interpretation of variants in research participants for the purpose of population health screening. Participant phenotype was not available at the time of variant classification. Additional details can be found in publication PMID: 35346344, PMCID: PMC8962531

GeneDx
Classification: Uncertain significance. Last evaluated: 2019-09-19. Review status: criteria provided, single submitter. Criteria: GeneDx Variant Classification Process June 2021. Collection method: clinical testing. Allele origin: germline. Affected: yes.
Comment: Has not been previously published as pathogenic or benign to our knowledge; In silico analysis, which includes protein predictors and evolutionary conservation, supports that this variant does not alter protein structure/function